The following is an entry in ClinVar:

NM_177438.3(DICER1):c.3707C>T (p.Thr1236Ile)

Gene: DICER1 (dicer 1, ribonuclease III; minus strand). Cytogenetic location: 14q32.13.
Variant type: single nucleotide variant.
Coding change: c.3707C>T on transcript NM_177438.3 (MANE Select); coding-DNA position 3707, C replaced by T.
Protein change: p.Thr1236Ile; replaces threonine 1236 with isoleucine.
Molecular consequence: missense variant.
Genome position (GRCh38, 1-based): chr14:95,103,689, G>A on the plus strand (C>T on the coding strand, the complement: DICER1 is on the minus strand). VCF-style: chr14-95103689-G-A. GRCh37 (hg19) VCF-style: chr14-95570026-G-A.
Other names: c.3707C>T, p.Thr1236Ile (NM_001195573.1, NM_001271282.3, NM_001291628.2 and 1 more transcripts); short protein forms T1236I.
Identifiers: ClinVar variation 1014976 (VCV001014976.10), dbSNP rs1891115795, ClinGen allele CA390874275.

ClinVar aggregate classification (germline): Uncertain significance. Review status: criteria provided, multiple submitters, no conflicts (2 of 4 stars). 3 submissions from 3 submitters: Uncertain significance (3). Last evaluated 2023-10-29.

Conditions:
DICER1-related tumor predisposition. Also called: DICER1-related pleuropulmonary blastoma cancer predisposition syndrome; DICER1 syndrome. Identifiers: Orphanet 284343, MedGen C3839822, MONDO:0100216.
Hereditary cancer-predisposing syndrome. Also called: Tumor predisposition; Hereditary Cancer Syndrome; Neoplastic Syndromes, Hereditary; Hereditary neoplastic syndrome. Identifiers: Orphanet 140162, MedGen C0027672, MeSH D009386, MONDO:0015356.

Allele frequency attached by ClinVar (database versions not stated): TOPMed below 0.00001.

Submissions (3):

Labcorp Genetics (formerly Invitae), Labcorp
Classification: Uncertain significance for DICER1-related tumor predisposition. Last evaluated: 2023-10-29. Review status: criteria provided, single submitter. Criteria: Invitae Variant Classification Sherloc (09022015). Collection method: clinical testing. Allele origin: germline.
Comment: This sequence change replaces threonine, which is neutral and polar, with isoleucine, which is neutral and non-polar, at codon 1236 of the DICER1 protein (p.Thr1236Ile). This variant is not present in population databases (gnomAD no frequency). This variant has not been reported in the literature in individuals affected with DICER1-related conditions. ClinVar contains an entry for this variant (Variation ID: 1014976). Advanced modeling of protein sequence and biophysical properties (such as structural, functional, and spatial information, amino acid conservation, physicochemical variation, residue mobility, and thermodynamic stability) performed at Invitae indicates that this missense variant is not expected to disrupt DICER1 protein function with a negative predictive value of 80%. In summary, the available evidence is currently insufficient to determine the role of this variant in disease. Therefore, it has been classified as a Variant of Uncertain Significance.

Ambry Genetics
Classification: Uncertain significance for Hereditary cancer-predisposing syndrome. Last evaluated: 2022-10-08. Review status: criteria provided, single submitter. Criteria: Ambry Variant Classification Scheme 2023. Collection method: clinical testing. Allele origin: germline.
Comment: The p.T1236I variant (also known as c.3707C>T), located in coding exon 20 of the DICER1 gene, results from a C to T substitution at nucleotide position 3707. The threonine at codon 1236 is replaced by isoleucine, an amino acid with similar properties. This amino acid position is well conserved in available vertebrate species. In addition, the in silico prediction for this alteration is inconclusive. Since supporting evidence is limited at this time, the clinical significance of this alteration remains unclear.

Sema4
Classification: Uncertain significance for Hereditary cancer-predisposing syndrome. Last evaluated: 2022-01-26. Review status: criteria provided, single submitter. Criteria: Sema4 Curation Guidelines. Collection method: curation. Allele origin: germline.
Comment: The DICER1 c.3707C>T (p.T1236I) variant has not been reported in the literature to our knowledge. It was not observed in the large and broad cohorts of the Genome Aggregation Database (PMID: 32461654). This variant has been reported in ClinVar (Variation ID 1014976). Functional studies have not been performed, and in silico predictions of the variant's effect on protein function are inconclusive. The overall evidence is inconsistent with ACMG/AMP requirements for a classification of benign or pathogenic. In summary, the clinical significance of this variant is currently uncertain.